The following is an entry in ClinVar:

NM_000535.7(PMS2):c.713G>C (p.Ser238Thr)

Gene: PMS2 (PMS1 homolog 2, mismatch repair system component; minus strand). Cytogenetic location: 7p22.1.
Variant type: single nucleotide variant.
Coding change: c.713G>C on transcript NM_000535.7 (MANE Select); coding-DNA position 713, G replaced by C.
Protein change: p.Ser238Thr; replaces serine 238 with threonine.
Molecular consequence: missense variant. On other transcripts: 5 prime UTR variant (2), non-coding transcript variant (1), intron variant (3).
Genome position (GRCh38, 1-based): chr7:5,997,416, C>G on the plus strand (G>C on the coding strand, the complement: PMS2 is on the minus strand). VCF-style: chr7-5997416-C-G. GRCh37 (hg19) VCF-style: chr7-6037047-C-G.
Other names: c.308G>C, p.Ser103Thr (NM_001322003.2, NM_001322004.2, NM_001322005.2 and 19 more transcripts); c.713G>C, p.Ser238Thr (NM_001322006.2, NM_001322014.2, NM_001406870.1 and 3 more transcripts); c.395G>C, p.Ser132Thr (NM_001322007.2, NM_001322008.2, NM_001406876.1 and 4 more transcripts); c.-221G>C (NM_001322011.2, NM_001322012.2); c.140G>C, p.Ser47Thr (NM_001322013.2, NM_001406909.1); c.404G>C, p.Ser135Thr (NM_001322015.2, NM_001406875.1, NM_001406877.1 and 6 more transcripts); c.899G>C, p.Ser300Thr (NM_001406866.1); c.737G>C, p.Ser246Thr (NM_001406868.1); and 7 more; short protein forms S103T, S126T, S132T, S135T, S182T, S202T, S238T, S246T.
Identifiers: ClinVar variation 3340306 (VCV003340306.2).

ClinVar aggregate classification (germline): Uncertain significance. Review status: criteria provided, multiple submitters, no conflicts (2 of 4 stars). 2 submissions from 2 submitters: Uncertain significance (2). Last evaluated 2025-10-09.

Conditions:
Hereditary nonpolyposis colorectal neoplasms. Identifiers: MedGen C0009405, MeSH D003123.

gnomAD v4.1: 5 of 1,520,924 alleles (0.00033%); highest among the groups gnomAD compares: South Asian, 0.0012%; no homozygotes.

Submissions (2):

Labcorp Genetics (formerly Invitae), Labcorp
Classification: Uncertain significance for Hereditary nonpolyposis colorectal neoplasms. Last evaluated: 2025-10-09. Review status: criteria provided, single submitter. Criteria: Invitae Variant Classification Sherloc (09022015). Collection method: clinical testing. Allele origin: germline.
Comment: This sequence change replaces serine, which is neutral and polar, with threonine, which is neutral and polar, at codon 238 of the PMS2 protein (p.Ser238Thr). This variant is not present in population databases (gnomAD no frequency). This variant has not been reported in the literature in individuals affected with PMS2-related conditions. ClinVar contains an entry for this variant (Variation ID: 3340306). Invitae Evidence Modeling incorporating data from in vitro experimental studies (internal data) indicates that this missense variant is not expected to disrupt PMS2 function with a negative predictive value of 95%. In summary, the available evidence is currently insufficient to determine the role of this variant in disease. Therefore, it has been classified as a Variant of Uncertain Significance.

GeneDx
Classification: Uncertain significance. Last evaluated: 2023-10-19. Review status: criteria provided, single submitter. Criteria: GeneDx Variant Classification Process June 2021. Collection method: clinical testing. Allele origin: germline. Affected: yes.
Comment: Not observed at significant frequency in large population cohorts (gnomAD); In silico analysis supports that this missense variant does not alter protein structure/function; Has not been previously published as pathogenic or benign to our knowledge; This variant is associated with the following publications: (PMID: 11574484)